The following is an entry in ClinVar:

ClinVar aggregate classification (germline): Pathogenic. Review status: criteria provided, multiple submitters, no conflicts (2 of 4 stars). 2 submissions from 2 submitters: Pathogenic (2). Last evaluated 2023-11-19.

Conditions:
Methylmalonic aciduria due to methylmalonyl-CoA mutase deficiency (MAMM). Also called: Methylmalonic aciduria, mut type. Identifiers: Orphanet 27, MedGen C1855114, MONDO:0009612, OMIM 251000.

Submissions (2):

Myriad Genetics, Inc.
Classification: Pathogenic for Methylmalonic aciduria due to methylmalonyl-CoA mutase deficiency. Last evaluated: 2023-11-19. Review status: criteria provided, single submitter. Criteria: Myriad Autosomal Dominant, Autosomal Recessive and X-Linked Classification Criteria (2023). Collection method: clinical testing. Allele origin: unknown.
Comment: NM_000255.3(MMUT):c.1880dupA(H627Qfs*2) is expected to be pathogenic in the context of methylmalonic acidemia, MMUT-related. This variant is predicted to lead to an abnormal or absent protein product due to the creation of a premature termination codon in MMUT, a gene where loss-of-function variants are known to be pathogenic. Please note: this variant was assessed in the context of healthy population screening.

Labcorp Genetics (formerly Invitae), Labcorp
Classification: Pathogenic. Last evaluated: 2021-09-18. Review status: criteria provided, single submitter. Criteria: Invitae Variant Classification Sherloc (09022015). Collection method: clinical testing. Allele origin: germline.
Comment: This variant is not present in population databases (ExAC no frequency). This sequence change creates a premature translational stop signal (p.His627Glnfs*2) in the MUT gene. It is expected to result in an absent or disrupted protein product. Loss-of-function variants in MUT are known to be pathogenic (PMID: 15781192). This variant has not been reported in the literature in individuals affected with MUT-related conditions. For these reasons, this variant has been classified as Pathogenic.

Literature cited by the submitters: PubMed 15781192 (cited by Labcorp Genetics (formerly Invitae), Labcorp).

NM_000255.4(MMUT):c.1880dup (p.His627fs)

Gene: MMUT (methylmalonyl-CoA mutase; minus strand). Cytogenetic location: 6p12.3.
Variant type: Duplication.
Coding change: c.1880dup on transcript NM_000255.4 (MANE Select); coding-DNA position 1880, one base duplicated (A; older notation c.1880dupA).
Protein change: p.His627fs; shifts the reading frame from histidine 627.
Molecular consequence: frameshift variant.
Genome position (GRCh38, 1-based): chr6:49,440,282, T duplicated on the plus strand (A on the coding strand, the reverse complement: MMUT is on the minus strand). VCF-style (leftmost placement, unchanged base first): chr6-49440281-A-AT. GRCh37 (hg19) VCF-style: chr6-49407994-A-AT.
Other names: short protein forms H627fs.
Identifiers: ClinVar variation 1415456 (VCV001415456.7), dbSNP rs2127414718, ClinGen allele CA2573140873.
Genomic context (GRCh38, chr6:49,440,281, plus strand): 5'-TATGTCCACATCAAAACCAAGATCAGCAAATCCTGTAGCAATAACTTTTGCTCCTCTGTC[A>AT]TGGCCATCTTGTCCCATTTTTGCTACAAGAAGACGAGGTCTGCGACCTTCACGTTCCATG-3'